The following is an entry in ClinVar:

NM_015978.3(TNNI3K):c.1606G>A (p.Ala536Thr)

Genes: FPGT-TNNI3K (FPGT-TNNI3K readthrough; plus strand), TNNI3K (TNNI3 interacting kinase; plus strand). Cytogenetic location: 1p31.1.
Variant type: single nucleotide variant.
Coding change: c.1606G>A on transcript NM_015978.3 (MANE Select); coding-DNA position 1606, G replaced by A.
Protein change: p.Ala536Thr; replaces alanine 536 with threonine.
Molecular consequence: missense variant.
Genome position (GRCh38, 1-based): chr1:74,369,524, G>A. VCF-style: chr1-74369524-G-A. GRCh37 (hg19) VCF-style: chr1-74835208-G-A.
Other names: c.1909G>A, p.Ala637Thr (NM_001112808.3, NM_001199327.2); short protein forms A536T, A637T.
Identifiers: ClinVar variation 1348965 (VCV001348965.6), dbSNP rs1351330576, ClinGen allele CA340786343.

ClinVar aggregate classification (germline): Uncertain significance (1 of 4 stars; one submission).

Allele frequency attached by ClinVar (database versions not stated): gnomAD 0.00001; TOPMed 0.00001.
gnomAD v4.1: 2 of 1,612,536 alleles (0.00012%); highest among the groups gnomAD compares: African/African-American, 0.0027%; no homozygotes.

Submission:

Labcorp Genetics (formerly Invitae), Labcorp
Classification: Uncertain significance. Last evaluated: 2021-11-02. Review status: criteria provided, single submitter. Criteria: Invitae Variant Classification Sherloc (09022015). Collection method: clinical testing. Allele origin: germline.
Comment: This sequence change replaces alanine, which is neutral and non-polar, with threonine, which is neutral and polar, at codon 536 of the TNNI3K protein (p.Ala536Thr). This variant is not present in population databases (gnomAD no frequency). This variant has not been reported in the literature in individuals affected with TNNI3K-related conditions. Algorithms developed to predict the effect of missense changes on protein structure and function (SIFT, PolyPhen-2, Align-GVGD) all suggest that this variant is likely to be disruptive. In summary, the available evidence is currently insufficient to determine the role of this variant in disease. Therefore, it has been classified as a Variant of Uncertain Significance.